The following is an entry in ClinVar:

ClinVar aggregate classification (germline): Uncertain significance (1 of 4 stars; one submission).

Conditions:
Ullrich congenital muscular dystrophy 2 (UCMD2). Identifiers: Orphanet 75840, MedGen C4225314, MONDO:0014654, OMIM 616470.
Bethlem myopathy 2 (BTHLM2). Identifiers: Orphanet 536516, Orphanet 610, MedGen C4225313, MONDO:0034022, OMIM 616471.

Submission:

Labcorp Genetics (formerly Invitae), Labcorp
Classification: Uncertain significance for Bethlem myopathy 2; Ullrich congenital muscular dystrophy 2. Last evaluated: 2024-06-25. Review status: criteria provided, single submitter. Criteria: Invitae Variant Classification Sherloc (09022015). Collection method: clinical testing. Allele origin: germline.
Comment: This sequence change replaces methionine, which is neutral and non-polar, with valine, which is neutral and non-polar, at codon 343 of the COL12A1 protein (p.Met343Val). This variant is not present in population databases (gnomAD no frequency). This variant has not been reported in the literature in individuals affected with COL12A1-related conditions. Advanced modeling of protein sequence and biophysical properties (such as structural, functional, and spatial information, amino acid conservation, physicochemical variation, residue mobility, and thermodynamic stability) performed at Invitae indicates that this missense variant is not expected to disrupt COL12A1 protein function with a negative predictive value of 80%. In summary, the available evidence is currently insufficient to determine the role of this variant in disease. Therefore, it has been classified as a Variant of Uncertain Significance.

NM_004370.6(COL12A1):c.1027A>G (p.Met343Val)

Gene: COL12A1 (collagen type XII alpha 1 chain; minus strand). Cytogenetic location: 6q13.
Variant type: single nucleotide variant.
Coding change: c.1027A>G on transcript NM_004370.6 (MANE Select); coding-DNA position 1027, A replaced by G.
Protein change: p.Met343Val; replaces methionine 343 with valine.
Molecular consequence: missense variant. On other transcripts: intron variant (2).
Genome position (GRCh38, 1-based): chr6:75,184,115, T>C on the plus strand (A>G on the coding strand, the complement: COL12A1 is on the minus strand). VCF-style: chr6-75184115-T-C. GRCh37 (hg19) VCF-style: chr6-75893831-T-C.
Other names: c.1027A>G, p.Met343Val (NM_001424113.1, NM_001424114.1, NM_001424115.1); c.73+18605A>G (NM_001424116.1, NM_080645.3); short protein forms M343V.
Identifiers: ClinVar variation 3750366 (VCV003750366.2).